The following is an entry in ClinVar:

NM_000051.4(ATM):c.1045A>C (p.Met349Leu)

Gene: ATM (ATM serine/threonine kinase; plus strand). Cytogenetic location: 11q22.3.
Variant type: single nucleotide variant.
Coding change: c.1045A>C on transcript NM_000051.4 (MANE Select); coding-DNA position 1045, A replaced by C.
Protein change: p.Met349Leu; replaces methionine 349 with leucine.
Molecular consequence: missense variant.
Genome position (GRCh38, 1-based): chr11:108,247,107, A>C. VCF-style: chr11-108247107-A-C. GRCh37 (hg19) VCF-style: chr11-108117834-A-C.
Other names: c.1045A>C, p.Met349Leu (NM_001351834.2); short protein forms M349L.
Identifiers: ClinVar variation 3451209 (VCV003451209.1).

ClinVar aggregate classification (germline): Uncertain significance (1 of 4 stars; one submission).

Conditions:
Hereditary cancer-predisposing syndrome. Also called: Tumor predisposition; Neoplastic Syndromes, Hereditary; Hereditary neoplastic syndrome; Hereditary Cancer Syndrome. Identifiers: Orphanet 140162, MedGen C0027672, MeSH D009386, MONDO:0015356.

Submission:

Ambry Genetics
Classification: Uncertain significance for Hereditary cancer-predisposing syndrome. Last evaluated: 2024-09-09. Review status: criteria provided, single submitter. Criteria: Ambry Variant Classification Scheme 2023. Collection method: clinical testing. Allele origin: germline.
Comment: The p.M349L variant (also known as c.1045A>C), located in coding exon 7 of the ATM gene, results from an A to C substitution at nucleotide position 1045. The methionine at codon 349 is replaced by leucine, an amino acid with highly similar properties. This amino acid position is conserved. In addition, this alteration is predicted to be tolerated by in silico analysis. Based on the available evidence, the clinical significance of this variant remains unclear.